The following is an entry in ClinVar:

NM_000466.3(PEX1):c.2014G>A (p.Ala672Thr)

Gene: PEX1 (peroxisomal biogenesis factor 1; minus strand). Cytogenetic location: 7q21.2.
Variant type: single nucleotide variant.
Coding change: c.2014G>A on transcript NM_000466.3 (MANE Select); coding-DNA position 2014, G replaced by A.
Protein change: p.Ala672Thr; replaces alanine 672 with threonine.
Molecular consequence: missense variant. On other transcripts: intron variant (1).
Genome position (GRCh38, 1-based): chr7:92,504,789, C>T on the plus strand (G>A on the coding strand, the complement: PEX1 is on the minus strand). VCF-style: chr7-92504789-C-T. GRCh37 (hg19) VCF-style: chr7-92134103-C-T.
Other names: c.1390G>A, p.Ala464Thr (NM_001282678.2); c.1900+1459G>A (NM_001282677.2); short protein forms A464T, A672T.
Identifiers: ClinVar variation 2111049 (VCV002111049.4), dbSNP rs2484668440, ClinGen allele CA368183340.

ClinVar aggregate classification (germline): Uncertain significance (1 of 4 stars; one submission).

Conditions:
Zellweger spectrum disorders (ZS). Also called: Zellweger Spectrum Disorder; Zellweger Spectrum; Zellweger Spectrum Disorder (ZSD); Zellweger syndrome. Identifiers: Orphanet 912, MedGen C0043459, MONDO:0019609.

Allele frequency attached by ClinVar (database versions not stated): gnomAD exomes below 0.00001.
gnomAD v4.1: 1 of 1,614,158 alleles (0.000062%); highest among the groups gnomAD compares: Non-Finnish European, 0.000085%; no homozygotes.

Submission:

Labcorp Genetics (formerly Invitae), Labcorp
Classification: Uncertain significance for Zellweger spectrum disorders. Last evaluated: 2022-03-13. Review status: criteria provided, single submitter. Criteria: Invitae Variant Classification Sherloc (09022015). Collection method: clinical testing. Allele origin: germline.
Comment: In summary, the available evidence is currently insufficient to determine the role of this variant in disease. Therefore, it has been classified as a Variant of Uncertain Significance. Algorithms developed to predict the effect of missense changes on protein structure and function output the following: SIFT: "Tolerated"; PolyPhen-2: "Benign"; Align-GVGD: "Class C0". The threonine amino acid residue is found in multiple mammalian species, which suggests that this missense change does not adversely affect protein function. This variant has not been reported in the literature in individuals affected with PEX1-related conditions. This variant is not present in population databases (gnomAD no frequency). This sequence change replaces alanine, which is neutral and non-polar, with threonine, which is neutral and polar, at codon 672 of the PEX1 protein (p.Ala672Thr).